The following is an entry in ClinVar:

ClinVar aggregate classification (germline): Uncertain significance. Review status: criteria provided, multiple submitters, no conflicts (2 of 4 stars). 2 submissions from 2 submitters: Uncertain significance (2). Last evaluated 2022-05-09.

Conditions:
Cardiovascular phenotype. Identifiers: MedGen CN230736.
Catecholaminergic polymorphic ventricular tachycardia 1. Also called: VENTRICULAR TACHYCARDIA, STRESS-INDUCED POLYMORPHIC 1; VENTRICULAR TACHYCARDIA, CATECHOLAMINERGIC POLYMORPHIC, 1, WITH OR WITHOUT ATRIAL DYSFUNCTION AND/OR DILATED CARDIOMYOPATHY; RYR2-Related Catecholaminergic Polymorphic Ventricular Tachycardia. Identifiers: Orphanet 3286, MedGen C1631597, MONDO:0011484, OMIM 604772.

Submissions (2):

Labcorp Genetics (formerly Invitae), Labcorp
Classification: Uncertain significance for Catecholaminergic polymorphic ventricular tachycardia 1. Last evaluated: 2022-05-09. Review status: criteria provided, single submitter. Criteria: Invitae Variant Classification Sherloc (09022015). Collection method: clinical testing. Allele origin: germline.
Comment: This missense change has been observed in individual(s) with catecholaminergic polymorphic ventricular tachycardia (Invitae). This variant is not present in population databases (gnomAD no frequency). This sequence change replaces glutamic acid, which is acidic and polar, with glutamine, which is neutral and polar, at codon 4950 of the RYR2 protein (p.Glu4950Gln). ClinVar contains an entry for this variant (Variation ID: 264483). In summary, the available evidence is currently insufficient to determine the role of this variant in disease. Therefore, it has been classified as a Variant of Uncertain Significance. This variant disrupts the p.Glu4950 amino acid residue in RYR2. Other variant(s) that disrupt this residue have been observed in individuals with RYR2-related conditions (PMID: 12093772), which suggests that this may be a clinically significant amino acid residue. Algorithms developed to predict the effect of missense changes on protein structure and function are either unavailable or do not agree on the potential impact of this missense change (SIFT: "Deleterious"; PolyPhen-2: "Benign"; Align-GVGD: "Class C0").

Ambry Genetics
Classification: Uncertain significance for Cardiovascular phenotype. Last evaluated: 2015-10-14. Review status: criteria provided, single submitter. Criteria: Ambry Variant Classification Scheme 2023. Collection method: clinical testing. Allele origin: germline.
Comment: The p.E4950Q variant (also known as c.14848G>C), located in coding exon 105 of the RYR2 gene, results from a G to C substitution at nucleotide position 14848. The glutamic acid at codon 4950 is replaced by glutamine, an amino acid with highly similar properties. Another alteration affecting the same amino acid, p.E4950K (c.14848G>A), has been reported in association with catecholaminergic polymorphic ventricular tachycardia (CPVT; Priori SG, Circulation 2002 Jul; 106(1):69-74). This variant was not reported in population based cohorts in the following databases: Database of Single Nucleotide Polymorphisms (dbSNP), NHLBI Exome Sequencing Project (ESP), and 1000 Genomes Project. In the ESP, this variant was not observed in 5986 samples (11972 alleles) with coverage at this position. This amino acid position is well conserved in available vertebrate species. In addition, the in silico prediction for this alteration is inconclusive. Since supporting evidence is limited at this time, the clinical significance of this variant remains unclear.

Literature cited by the submitters: PubMed 12093772 (cited by Labcorp Genetics (formerly Invitae), Labcorp).

NM_001035.3(RYR2):c.14848G>C (p.Glu4950Gln)

Gene: RYR2 (ryanodine receptor 2; plus strand). Cytogenetic location: 1q43.
Variant type: single nucleotide variant.
Coding change: c.14848G>C on transcript NM_001035.3 (MANE Select); coding-DNA position 14848, G replaced by C.
Protein change: p.Glu4950Gln; replaces glutamic acid 4950 with glutamine.
Molecular consequence: missense variant.
Genome position (GRCh38, 1-based): chr1:237,832,591, G>C. VCF-style: chr1-237832591-G-C. GRCh37 (hg19) VCF-style: chr1-237995891-G-C.
Other names: c.14848G>C, p.Glu4950Gln (LRG_402t1); short protein forms E4950Q.
Identifiers: ClinVar variation 264483 (VCV000264483.9), dbSNP rs886039172, ClinGen allele CA10587437.